The following is an entry in ClinVar:

ClinVar aggregate classification (germline): Conflicting classifications of pathogenicity. Review status: criteria provided, conflicting classifications (1 of 4 stars). 2 submissions from 2 submitters: Uncertain significance (1); Likely benign (1). Last evaluated 2026-05-01.

Conditions:
Inborn genetic diseases. Identifiers: MedGen C0950123, MeSH D030342.

Allele frequency attached by ClinVar (database versions not stated): ExAC 0.00012.
gnomAD v4.1: 25 of 1,581,844 alleles (0.0016%); highest among the groups gnomAD compares: Admixed American, 0.038%; no homozygotes.

Submissions (2):

CeGaT Center for Human Genetics Tuebingen
Classification: Likely benign. Last evaluated: 2026-05-01. Review status: criteria provided, single submitter. Criteria: CeGaT Center For Human Genetics Tuebingen Variant Classification Criteria Version 2. Collection method: clinical testing. Allele origin: germline. Affected: yes. Observed: 1 variant allele.
Comment: FBXO28: PP2, BS2

Ambry Genetics
Classification: Uncertain significance for Inborn genetic diseases. Last evaluated: 2023-10-20. Review status: criteria provided, single submitter. Criteria: Ambry Variant Classification Scheme 2023. Collection method: clinical testing. Allele origin: germline.

NM_015176.4(FBXO28):c.258G>C (p.Gln86His)

Gene: FBXO28 (F-box protein 28; plus strand). Cytogenetic location: 1q42.11.
Variant type: single nucleotide variant.
Coding change: c.258G>C on transcript NM_015176.4 (MANE Select); coding-DNA position 258, G replaced by C.
Protein change: p.Gln86His; replaces glutamine 86 with histidine.
Molecular consequence: missense variant. On other transcripts: non-coding transcript variant (1).
Genome position (GRCh38, 1-based): chr1:224,114,387, G>C. VCF-style: chr1-224114387-G-C. GRCh37 (hg19) VCF-style: chr1-224302089-G-C.
Other names: c.258G>C, p.Gln86His (NM_001136115.3); short protein forms Q86H.
Identifiers: ClinVar variation 3093645 (VCV003093645.3), dbSNP rs772433559, ClinGen allele CA1413377.